The following is an entry in ClinVar:

NM_001267550.2(TTN):c.26244C>T (p.Val8748=)

Gene: TTN (titin; minus strand). Cytogenetic location: 2q31.2.
Variant type: single nucleotide variant.
Coding change: c.26244C>T on transcript NM_001267550.2 (MANE Select); coding-DNA position 26244, C replaced by T.
Protein change: p.Val8748=; no amino-acid change (valine 8748 retained).
Molecular consequence: synonymous variant. On other transcripts: intron variant (3).
Genome position (GRCh38, 1-based): chr2:178,714,530, G>A on the plus strand (C>T on the coding strand, the complement: TTN is on the minus strand). VCF-style: chr2-178714530-G-A. GRCh37 (hg19) VCF-style: chr2-179579257-G-A.
Other names: c.25293C>T, p.Val8431= (NM_001256850.1); c.22512C>T, p.Val7504= (NM_133378.4); c.13282+23552C>T (NM_003319.4); c.13858+23552C>T (NM_133437.4); c.13657+23552C>T (NM_133432.3).
Identifiers: ClinVar variation 598288 (VCV000598288.10), dbSNP rs780219663, ClinGen allele CA2000046.
Genomic context (GRCh38, chr2:178,714,530, plus strand): 5'-CACCACTGAAATGGGTTCAGCGCCTTCAATGGTAGTCTGCAGCTGAACTTCTTTACCAAC[G>A]ACAGTAGATATGTCACTGAGCTTCTTCACAAATCTTGGTGGTGCTGATGAAAAAGGAGGA-3'
Protein context (NP_001254479.2, residues 8738-8758): FVKKLSDIST[Val8748=]VGKEVQLQTT

ClinVar aggregate classification (germline): Conflicting classifications of pathogenicity. Review status: criteria provided, conflicting classifications (1 of 4 stars). 3 submissions from 3 submitters: Uncertain significance (1); Likely benign (2). Last evaluated 2026-05-01.

Conditions:
Autosomal recessive limb-girdle muscular dystrophy type 2J (LGMDR10). Also called: MUSCULAR DYSTROPHY, LIMB-GIRDLE, AUTOSOMAL RECESSIVE 10; Limb-girdle muscular dystrophy, type 2J. Identifiers: Orphanet 140922, MedGen C1837342, MONDO:0012127, OMIM 608807.
Dilated cardiomyopathy 1G (CMD1G). Identifiers: Orphanet 154, MedGen C1858763, MONDO:0011400, OMIM 604145.

Allele frequency attached by ClinVar (database versions not stated): gnomAD 0.00001; gnomAD exomes 0.00001; TOPMed 0.00001; ExAC 0.00002.
gnomAD v4.1: 8 of 1,612,768 alleles (0.0005%); highest among the groups gnomAD compares: South Asian, 0.0011%; no homozygotes.

Submissions (3):

CeGaT Center for Human Genetics Tuebingen
Classification: Likely benign. Last evaluated: 2026-05-01. Review status: criteria provided, single submitter. Criteria: CeGaT Center For Human Genetics Tuebingen Variant Classification Criteria Version 2. Collection method: clinical testing. Allele origin: germline. Affected: yes. Observed: 1 variant allele.
Comment: TTN: BP4, BP7

Labcorp Genetics (formerly Invitae), Labcorp
Classification: Likely benign for Dilated cardiomyopathy 1G; Autosomal recessive limb-girdle muscular dystrophy type 2J. Last evaluated: 2026-01-19. Review status: criteria provided, single submitter. Criteria: Invitae Variant Classification Sherloc (09022015). Collection method: clinical testing. Allele origin: germline.

Eurofins Ntd Llc (ga)
Classification: Uncertain significance. Last evaluated: 2018-08-09. Review status: criteria provided, single submitter. Criteria: EGL ClinVar v180209 classification definitions. Collection method: clinical testing. Allele origin: germline. Observed: 1 variant allele, 1 heterozygote.